The following is an entry in ClinVar:

ClinVar aggregate classification (germline): Uncertain significance (1 of 4 stars; one submission).

Conditions:
PCSK1-related disorder. Also called: PCSK1-related condition.

gnomAD v4.1: 2 of 1,535,402 alleles (0.00013%); highest among the groups gnomAD compares: Admixed American, 0.002%; no homozygotes.

Submission:

PreventionGenetics, part of Exact Sciences
Classification: Uncertain significance for PCSK1-related condition. Last evaluated: 2025-12-11. Review status: criteria provided, single submitter. Criteria: ACMG Guidelines, 2015. Collection method: clinical testing. Allele origin: germline.
Comment: The PCSK1 c.14C>T variant is predicted to result in the amino acid substitution p.Ser5Phe. To our knowledge, this variant has not been reported in the literature or in a large population database (gnomAD), indicating this variant is rare. In an alternate transcript of questionable biological relevance, this variant creates a missense change in the first exon (NM_001177875.1:c.14C>T (p.Ser5Phe)). At this time, the clinical significance of this variant is uncertain due to the absence of conclusive functional and genetic evidence.

NM_000439.5(PCSK1):c.180+755C>T

Genes: CAST (calpastatin; plus strand), PCSK1 (proprotein convertase subtilisin/kexin type 1; minus strand), LOC101929710 (uncharacterized LOC101929710; plus strand). Cytogenetic location: 5q15.
Variant type: single nucleotide variant.
Coding change: c.180+755C>T on transcript NM_000439.5 (MANE Select); 755 bases into the intron after coding-DNA position 180, C replaced by T.
Molecular consequence: intron variant. On other transcripts: missense variant (1).
Genome position (GRCh38, 1-based): chr5:96,432,108, G>A on the plus strand (C>T on the coding strand, the complement: PCSK1 is on the minus strand). VCF-style: chr5-96432108-G-A. GRCh37 (hg19) VCF-style: chr5-95767812-G-A.
Other names: c.14C>T, p.Ser5Phe (NM_001177875.2); c.-175+52456G>A (NM_001423254.1, NM_001423259.1, NM_001423255.1 and 6 more transcripts); c.-103+52456G>A (NM_001423253.1); c.-40+52456G>A (NM_001423258.1); short protein forms S5F.
Identifiers: ClinVar variation 4982714 (VCV004982714.1).
Genomic context (GRCh38, chr5:96,432,108, plus strand): 5'-AATAAGCTGAAATTCCCGGGAAAACGATTACGTACTTGGCTGAAGAACAAGAAAGAAATA[G>A]ATCCCTTCCCCATAGTCAGTTCGGCATCTCGACCCTGCAGTGGGACTGGCCGGGCAAAGT-3'